The following is an entry in ClinVar:

NM_001011658.4(TRAPPC2):c.145G>A (p.Val49Ile)

Genes: OFD1 (OFD1 centriole and centriolar satellite protein; plus strand), TRAPPC2 (trafficking protein particle complex subunit 2; minus strand). Cytogenetic location: Xp22.2.
Variant type: single nucleotide variant.
Coding change: c.145G>A on transcript NM_001011658.4 (MANE Select); coding-DNA position 145, G replaced by A.
Protein change: p.Val49Ile; replaces valine 49 with isoleucine.
Molecular consequence: missense variant.
Genome position (GRCh38, 1-based): chrX:13,716,627, C>T on the plus strand (G>A on the coding strand, the complement: TRAPPC2 is on the minus strand). VCF-style: chrX-13716627-C-T. GRCh37 (hg19) VCF-style: chrX-13734746-C-T.
Other names: c.247G>A, p.Val83Ile (NM_001128835.3); c.145G>A, p.Val49Ile (NM_014563.6); short protein forms V49I, V83I.
Identifiers: ClinVar variation 4765819 (VCV004765819.1).

ClinVar aggregate classification (germline): Uncertain significance (1 of 4 stars; one submission).

gnomAD v4.1: 1 of 1,211,510 alleles (0.000083%); highest among the groups gnomAD compares: Non-Finnish European, 0.00011%; no homozygotes.

Submission:

Labcorp Genetics (formerly Invitae), Labcorp
Classification: Uncertain significance. Last evaluated: 2025-04-26. Review status: criteria provided, single submitter. Criteria: Invitae Variant Classification Sherloc (09022015). Collection method: clinical testing. Allele origin: germline.
Comment: This sequence change replaces valine, which is neutral and non-polar, with isoleucine, which is neutral and non-polar, at codon 49 of the TRAPPC2 protein (p.Val49Ile). This variant is present in population databases (rs373174056, gnomAD 0.008%). This variant has not been reported in the literature in individuals affected with TRAPPC2-related conditions. An algorithm developed to predict the effect of missense changes on protein structure and function (PolyPhen-2) suggests that this variant is likely to be disruptive. In summary, the available evidence is currently insufficient to determine the role of this variant in disease. Therefore, it has been classified as a Variant of Uncertain Significance.